The following is an entry in ClinVar:

NM_033056.4(PCDH15):c.5327_5335del (p.Leu1776_Cys1778del)

Gene: PCDH15 (protocadherin related 15; minus strand). Cytogenetic location: 10q21.1.
Variant type: Deletion.
Coding change: c.5327_5335del on transcript NM_033056.4 (MANE Plus Clinical); coding-DNA positions 5327 to 5335, 9 bases deleted (TTTTTTGTC; older notation c.5327_5335delTTTTTTGTC).
Protein change: p.Leu1776_Cys1778del.
Molecular consequence: inframe deletion. On other transcripts: intron variant (8).
Genome position (GRCh38, 1-based): chr10:53,822,391-53,822,399, GACAAAAAA deleted on the plus strand (TTTTTTGTC on the coding strand, the reverse complement: PCDH15 is on the minus strand); deleting any 9 consecutive bases within chr10:53,822,391-53,822,401 gives the same sequence; the c. name uses the placement nearest the transcript's 3' end. VCF-style (leftmost placement, unchanged base first): chr10-53822390-GGACAAAAAA-G. GRCh37 (hg19) VCF-style: chr10-55582150-GGACAAAAAA-G.
Other names: c.5327_5335delTTTTTTGTC (NM_033056.3, NM_033056.4); c.5348_5356del, p.Leu1783_Cys1785del (NM_001142763.2); c.5333_5341del, p.Leu1778_Cys1780del (NM_001142764.2); c.5120_5128del, p.Leu1707_Cys1709del (NM_001142765.2); c.5318_5326del, p.Leu1773_Cys1775del (NM_001142766.2); c.5207_5215del, p.Leu1736_Cys1738del (NM_001142767.2); c.5267_5275del, p.Leu1756_Cys1758del (NM_001142768.2); c.5258_5266del, p.Leu1753_Cys1755del (NM_001142773.2); and 8 more.
Identifiers: ClinVar variation 46495 (VCV000046495.18), dbSNP rs397517467, ClinGen allele CA138463.

ClinVar aggregate classification (germline): Conflicting classifications of pathogenicity. Review status: criteria provided, conflicting classifications (1 of 4 stars). 5 submissions from 5 submitters: Uncertain significance (3); Likely benign (2). Last evaluated 2025-12-23.

Submissions (5):

Labcorp Genetics (formerly Invitae), Labcorp
Classification: Likely benign. Last evaluated: 2025-12-23. Review status: criteria provided, single submitter. Criteria: Invitae Variant Classification Sherloc (09022015). Collection method: clinical testing. Allele origin: germline.

GeneDx
Classification: Uncertain significance. Last evaluated: 2025-07-11. Review status: criteria provided, single submitter. Criteria: GeneDx Variant Classification Process June 2021. Collection method: clinical testing. Allele origin: germline. Affected: yes.
Comment: In-frame deletion of 3 amino acid(s) in a non-repeat region; In silico analysis suggests that this variant does not alter protein structure/function; Has not been previously published as pathogenic or benign to our knowledge

Women's Health and Genetics/Laboratory Corporation of America, LabCorp
Classification: Uncertain significance. Last evaluated: 2025-01-03. Review status: criteria provided, single submitter. Criteria: LabCorp Variant Classification Summary - May 2015. Collection method: clinical testing. Allele origin: germline.
Comment: Variant summary: PCDH15 c.5327_5335delTTTTTTGTC (p.Leu1776_Cys1778del) results in an in-frame deletion that is predicted to remove 3 amino acids from the encoded protein. The variant allele was found at a frequency of 4.5e-05 in 1562754 control chromosomes, predominantly at a frequency of 0.00087 within the African or African-American subpopulation in the gnomAD database (v4.1 dataset). This frequency is somewhat lower than the estimated maximum for a pathogenic variant in PCDH15 causing Usher Syndrome Type 1F (0.0032), allowing no conclusion about variant significance. However, the variant is found in a low complexity region, where other in-frame del/ins/delins variants are also reported, including a larger, overlapping deletion (c.5280_5342del (p.Ala1761_Pro1781del)), which is classified as Likely benign in ClinVar by several labs. To our knowledge, no occurrence of c.5327_5335delTTTTTTGTC in individuals affected with Usher Syndrome Type 1F and no experimental evidence demonstrating its impact on protein function have been reported. ClinVar contains an entry for this variant (Variation ID: 46495). Based on the evidence outlined above, the variant was classified as VUS-possibly benign.

Blueprint Genetics
Classification: Uncertain significance. Last evaluated: 2024-05-06. Review status: criteria provided, single submitter. Criteria: ACMG Guidelines, 2015. Collection method: clinical testing. Allele origin: germline.

Laboratory for Molecular Medicine, Mass General Brigham Personalized Medicine
Classification: Likely benign. Last evaluated: 2013-05-13. Review status: criteria provided, single submitter. Criteria: LMM Criteria. Collection method: clinical testing. Allele origin: germline. Observed: 2 variant alleles.
Comment: The Leu1776_Cys1778del variant in PCDH15: This variant is not expected to have c linical significance because it has been identified in 0.07% (6/8226) of Europea n American chromosomes and 0.6% (25/4252) of African American chromosomes by the NHLBI Exome Sequencing Project.